The following is an entry in ClinVar:

ClinVar aggregate classification (germline): Likely benign (1 of 4 stars; one submission).

gnomAD v4.1: 426 of 1,593,602 alleles (0.027%); highest among the groups gnomAD compares: African/African-American, 0.53%; no homozygotes.

Submission:

CeGaT Center for Human Genetics Tuebingen
Classification: Likely benign. Last evaluated: 2024-12-01. Review status: criteria provided, single submitter. Criteria: CeGaT Center For Human Genetics Tuebingen Variant Classification Criteria Version 2. Collection method: clinical testing. Allele origin: germline. Affected: yes. Observed: 1 variant allele.
Comment: SMO: BP4

NM_005631.5(SMO):c.537+6T>C

Gene: SMO (smoothened, frizzled class receptor; plus strand). Cytogenetic location: 7q32.1.
Variant type: single nucleotide variant.
Coding change: c.537+6T>C on transcript NM_005631.5 (MANE Select); 6 bases into the intron after coding-DNA position 537, T replaced by C.
Molecular consequence: intron variant.
Genome position (GRCh38, 1-based): chr7:129,203,595, T>C. VCF-style: chr7-129203595-T-C. GRCh37 (hg19) VCF-style: chr7-128843436-T-C.
Identifiers: ClinVar variation 3770751 (VCV003770751.13).